The following is an entry in ClinVar:

ClinVar aggregate classification (germline): Uncertain significance (1 of 4 stars; one submission).

Allele frequency attached by ClinVar (database versions not stated): gnomAD 0.00001; TOPMed 0.00002.
gnomAD v4.1: 2 of 1,594,340 alleles (0.00013%); highest among the groups gnomAD compares: Admixed American, 0.0017%; no homozygotes.

Submission:

Labcorp Genetics (formerly Invitae), Labcorp
Classification: Uncertain significance. Last evaluated: 2021-06-13. Review status: criteria provided, single submitter. Criteria: Invitae Variant Classification Sherloc (09022015). Collection method: clinical testing. Allele origin: germline.
Comment: This sequence change falls in intron 14 of the PCLO gene. It does not directly change the encoded amino acid sequence of the PCLO protein. It affects a nucleotide within the consensus splice site of the intron. This variant is not present in population databases (ExAC no frequency). This variant has not been reported in the literature in individuals with PCLO-related conditions. Nucleotide substitutions within the consensus splice site are a relatively common cause of aberrant splicing (PMID: 17576681, 9536098). Algorithms developed to predict the effect of sequence changes on RNA splicing suggest that this variant is not likely to affect RNA splicing, but this prediction has not been confirmed by published transcriptional studies. In summary, the available evidence is currently insufficient to determine the role of this variant in disease. Therefore, it has been classified as a Variant of Uncertain Significance.

Literature cited by the submitters: PubMed 17576681; PubMed 9536098.

NM_033026.6(PCLO):c.14097+4T>A

Gene: PCLO (piccolo presynaptic cytomatrix protein; minus strand). Cytogenetic location: 7q21.11.
Variant type: single nucleotide variant.
Coding change: c.14097+4T>A on transcript NM_033026.6 (MANE Select); 4 bases into the intron after coding-DNA position 14097, T replaced by A.
Molecular consequence: intron variant.
Genome position (GRCh38, 1-based): chr7:82,841,455, A>T on the plus strand (T>A on the coding strand, the complement: PCLO is on the minus strand). VCF-style: chr7-82841455-A-T. GRCh37 (hg19) VCF-style: chr7-82470771-A-T.
Other names: c.14097+4T>A (NM_014510.3).
Identifiers: ClinVar variation 1479723 (VCV001479723.3), dbSNP rs1308533055, ClinGen allele CA575821607.
Genomic context (GRCh38, chr7:82,841,455, plus strand): 5'-ACAAACCAGTGGCAAAACAACCAAAAAAGGTTATATAATGGCGACTTTTTAAAAAACTTC[A>T]TACCTGAATTTCTCCTGTAATTGGATGAGAGACAACCTTTGTTCCATCGGTAGGCTGTAA-3'